The following is an entry in ClinVar:

ClinVar aggregate classification (germline): Uncertain significance (1 of 4 stars; one submission).

Conditions:
Charcot-Marie-Tooth disease type 4. Also called: Charcot-Marie-Tooth disease, type IV; Charcot-Marie-Tooth, Type 4. Identifiers: Orphanet 64749, MedGen C4082197, MONDO:0018995.

Allele frequency attached by ClinVar (database versions not stated): TOPMed 0.00001.

Submission:

Labcorp Genetics (formerly Invitae), Labcorp
Classification: Uncertain significance for Charcot-Marie-Tooth disease type 4. Last evaluated: 2022-07-19. Review status: criteria provided, single submitter. Criteria: Invitae Variant Classification Sherloc (09022015). Collection method: clinical testing. Allele origin: germline.
Comment: This variant has not been reported in the literature in individuals affected with PRX-related conditions. Algorithms developed to predict the effect of missense changes on protein structure and function output the following: SIFT: "Tolerated"; PolyPhen-2: "Benign"; Align-GVGD: "Class C0". The glutamine amino acid residue is found in multiple mammalian species, which suggests that this missense change does not adversely affect protein function. In summary, the available evidence is currently insufficient to determine the role of this variant in disease. Therefore, it has been classified as a Variant of Uncertain Significance. This variant is not present in population databases (gnomAD no frequency). This sequence change replaces histidine, which is basic and polar, with glutamine, which is neutral and polar, at codon 705 of the PRX protein (p.His705Gln).

NM_181882.3(PRX):c.2115C>G (p.His705Gln)

Gene: PRX (periaxin; minus strand). Cytogenetic location: 19q13.2.
Variant type: single nucleotide variant.
Coding change: c.2115C>G on transcript NM_181882.3 (MANE Select); coding-DNA position 2115, C replaced by G.
Protein change: p.His705Gln; replaces histidine 705 with glutamine.
Molecular consequence: missense variant. On other transcripts: 3 prime UTR variant (1).
Genome position (GRCh38, 1-based): chr19:40,396,237, G>C on the plus strand (C>G on the coding strand, the complement: PRX is on the minus strand). VCF-style: chr19-40396237-G-C. GRCh37 (hg19) VCF-style: chr19-40902144-G-C.
Other names: c.2400C>G, p.His800Gln (NM_001411127.1); c.*2320C>G (NM_020956.2); short protein forms H705Q, H800Q.
Identifiers: ClinVar variation 1945414 (VCV001945414.5), dbSNP rs752587372, ClinGen allele CA308419658.